The following is an entry in ClinVar:

ClinVar aggregate classification (germline): Uncertain significance (1 of 4 stars; one submission).

Conditions:
MHC class I deficiency. Identifiers: Orphanet 34592, MedGen C6024714, MONDO:0011476.

Allele frequency attached by ClinVar (database versions not stated): gnomAD exomes below 0.00001; gnomAD 0.00002.
gnomAD v4.1: 10 of 1,608,234 alleles (0.00062%); highest among the groups gnomAD compares: African/African-American, 0.0027%; no homozygotes.

Submission:

Labcorp Genetics (formerly Invitae), Labcorp
Classification: Uncertain significance for MHC class I deficiency 1. Last evaluated: 2022-06-30. Review status: criteria provided, single submitter. Criteria: Invitae Variant Classification Sherloc (09022015). Collection method: clinical testing. Allele origin: germline.
Comment: This sequence change replaces glycine, which is neutral and non-polar, with valine, which is neutral and non-polar, at codon 141 of the TAP1 protein (p.Gly141Val). This variant is present in population databases (no rsID available, gnomAD 0.01%). This variant has not been reported in the literature in individuals affected with TAP1-related conditions. Algorithms developed to predict the effect of missense changes on protein structure and function are either unavailable or do not agree on the potential impact of this missense change (SIFT: "Deleterious"; PolyPhen-2: "Benign"; Align-GVGD: "Class C0"). In summary, the available evidence is currently insufficient to determine the role of this variant in disease. Therefore, it has been classified as a Variant of Uncertain Significance.

NM_000593.6(TAP1):c.242G>T (p.Gly81Val)

Gene: TAP1 (transporter 1, ATP binding cassette subfamily B member; minus strand). Cytogenetic location: 6p21.32.
Variant type: single nucleotide variant.
Coding change: c.242G>T on transcript NM_000593.6 (MANE Select); coding-DNA position 242, G replaced by T.
Protein change: p.Gly81Val; replaces glycine 81 with valine.
Molecular consequence: missense variant.
Genome position (GRCh38, 1-based): chr6:32,853,395, C>A on the plus strand (G>T on the coding strand, the complement: TAP1 is on the minus strand). VCF-style: chr6-32853395-C-A. GRCh37 (hg19) VCF-style: chr6-32821172-C-A.
Other names: short protein forms G81V.
Identifiers: ClinVar variation 2180752 (VCV002180752.1), dbSNP rs1455162812, ClinGen allele CA363582849.
Genomic context (GRCh38, chr6:32,853,395, plus strand): 5'-GCAGCTAATGGCTTCAAAGCAGCCAGCCAGCCCTGGGCACCTGCGTTTTCGCTCTTGGAG[C>A]CAACCGTTGCCCTGAGGACCCCGCAGGCCCCCAGCCAGAGCACGGCCCAGCGGCTCAGGC-3'
Protein context (NP_000584.3, residues 71-91): GACGVLRATV[Gly81Val]SKSENAGAQG